The following is an entry in ClinVar:

NM_000051.4(ATM):c.6300C>T (p.Tyr2100=)

Genes: ATM (ATM serine/threonine kinase; plus strand), C11orf65 (chromosome 11 open reading frame 65; minus strand). Cytogenetic location: 11q22.3.
Variant type: single nucleotide variant.
Coding change: c.6300C>T on transcript NM_000051.4 (MANE Select); coding-DNA position 6300, C replaced by T.
Protein change: p.Tyr2100=; no amino-acid change (tyrosine 2100 retained).
Molecular consequence: synonymous variant. On other transcripts: intron variant (2).
Genome position (GRCh38, 1-based): chr11:108,317,474, C>T. VCF-style: chr11-108317474-C-T. GRCh37 (hg19) VCF-style: chr11-108188201-C-T.
Other names: c.6300C>T, p.Tyr2100= (NM_001351834.2); c.641-8403G>A (NM_001330368.2); c.*39-8403G>A (NM_001351110.2).
Identifiers: ClinVar variation 2843252 (VCV002843252.5), dbSNP rs1591789955, ClinGen allele CA476676003.

ClinVar aggregate classification (germline): Benign/Likely benign. Review status: criteria provided, multiple submitters, no conflicts (2 of 4 stars). 3 submissions from 3 submitters: Benign (1); Likely benign (2). Last evaluated 2024-07-13.

Conditions:
Familial cancer of breast. Also called: BREAST CANCER, FAMILIAL; Hereditary breast cancer; hereditary breast carcinoma. Identifiers: Orphanet 227535, MedGen C0346153, MONDO:0016419, OMIM 114480. Disease mechanism: loss of function.
Hereditary cancer-predisposing syndrome. Also called: Tumor predisposition; Neoplastic Syndromes, Hereditary; Hereditary Cancer Syndrome; Hereditary neoplastic syndrome. Identifiers: Orphanet 140162, MedGen C0027672, MeSH D009386, MONDO:0015356.
Ataxia-telangiectasia syndrome (AT). Also called: LOUIS-BAR SYNDROME; Cerebello-oculocutaneous telangiectasia; Immunodeficiency with ataxia telangiectasia; Ataxia telangiectasia (A-T); Ataxia-telangiectasia, complementation group D; AT, COMPLEMENTATION GROUP C. Identifiers: Orphanet 100, MedGen C0004135, MONDO:0008840, OMIM 208900.

gnomAD v4.1: 1 of 1,611,720 alleles (0.000062%); highest among the groups gnomAD compares: African/African-American, 0.0013%; no homozygotes.

Submissions (3):

Ambry Genetics
Classification: Likely benign for Hereditary cancer-predisposing syndrome. Last evaluated: 2024-07-13. Review status: criteria provided, single submitter. Criteria: Ambry Variant Classification Scheme 2023. Collection method: clinical testing. Allele origin: germline.

Myriad Genetics, Inc.
Classification: Benign for Familial cancer of breast. Last evaluated: 2024-06-05. Review status: criteria provided, single submitter. Criteria: Myriad Autosomal Dominant, Autosomal Recessive and X-Linked Classification Criteria (2023). Collection method: clinical testing. Allele origin: unknown.
Comment: This variant is considered benign. This variant is a silent/synonymous amino acid change and it is not expected to impact splicing.

Labcorp Genetics (formerly Invitae), Labcorp
Classification: Likely benign for Ataxia-telangiectasia syndrome. Last evaluated: 2024-04-18. Review status: criteria provided, single submitter. Criteria: Invitae Variant Classification Sherloc (09022015). Collection method: clinical testing. Allele origin: germline.